The following is an entry in ClinVar:

ClinVar aggregate classification (germline): Uncertain significance (1 of 4 stars; one submission).

Allele frequency attached by ClinVar (database versions not stated): ExAC 0.00001; gnomAD 0.00001.
gnomAD v4.1: 3 of 1,614,032 alleles (0.00019%); highest among the groups gnomAD compares: East Asian, 0.0022%; no homozygotes.

Submission:

Labcorp Genetics (formerly Invitae), Labcorp
Classification: Uncertain significance. Last evaluated: 2024-12-02. Review status: criteria provided, single submitter. Criteria: Invitae Variant Classification Sherloc (09022015). Collection method: clinical testing. Allele origin: germline.
Comment: This sequence change replaces threonine, which is neutral and polar, with isoleucine, which is neutral and non-polar, at codon 546 of the TPP1 protein (p.Thr546Ile). This variant is present in population databases (rs767154380, gnomAD 0.007%). This variant has not been reported in the literature in individuals affected with TPP1-related conditions. ClinVar contains an entry for this variant (Variation ID: 1912615). Invitae Evidence Modeling of protein sequence and biophysical properties (such as structural, functional, and spatial information, amino acid conservation, physicochemical variation, residue mobility, and thermodynamic stability) indicates that this missense variant is expected to disrupt TPP1 protein function with a positive predictive value of 95%. In summary, the available evidence is currently insufficient to determine the role of this variant in disease. Therefore, it has been classified as a Variant of Uncertain Significance.

NM_000391.4(TPP1):c.1637C>T (p.Thr546Ile)

Gene: TPP1 (tripeptidyl peptidase 1; minus strand). Cytogenetic location: 11p15.4.
Variant type: single nucleotide variant.
Coding change: c.1637C>T on transcript NM_000391.4 (MANE Select); coding-DNA position 1637, C replaced by T.
Protein change: p.Thr546Ile; replaces threonine 546 with isoleucine.
Molecular consequence: missense variant.
Genome position (GRCh38, 1-based): chr11:6,614,601, G>A on the plus strand (C>T on the coding strand, the complement: TPP1 is on the minus strand). VCF-style: chr11-6614601-G-A. GRCh37 (hg19) VCF-style: chr11-6635832-G-A.
Other names: short protein forms T546I.
Identifiers: ClinVar variation 1912615 (VCV001912615.3), dbSNP rs767154380, ClinGen allele CA5858597.
Genomic context (GRCh38, chr11:6,614,601, plus strand): 5'-AAGGGTCAGGGGTTGAGTAGAGTCTTCAGCAAAGCTGGGAAGTTGGGTGTTCCCCAGCCT[G>A]TTACAGGATCCCAGCCAGGACCAGAGCAGAAACCCTGGCCCTCTACCTCTTCATCCAGAC-3'
Protein context (NP_000382.3, residues 536-556): FCSGPGWDPV[Thr546Ile]GWGTPNFPAL